The following is an entry in ClinVar:

NM_005502.4(ABCA1):c.4189G>A (p.Glu1397Lys)

Gene: ABCA1 (ATP binding cassette subfamily A member 1; minus strand). Cytogenetic location: 9q31.1.
Variant type: single nucleotide variant.
Coding change: c.4189G>A on transcript NM_005502.4 (MANE Select); coding-DNA position 4189, G replaced by A.
Protein change: p.Glu1397Lys; replaces glutamic acid 1397 with lysine.
Molecular consequence: missense variant.
Genome position (GRCh38, 1-based): chr9:104,809,551, C>T on the plus strand (G>A on the coding strand, the complement: ABCA1 is on the minus strand). VCF-style: chr9-104809551-C-T. GRCh37 (hg19) VCF-style: chr9-107571832-C-T.
Other names: short protein forms E1397K.
Identifiers: ClinVar variation 1738548 (VCV001738548.7), dbSNP rs1023182868, ClinGen allele CA197374013.

ClinVar aggregate classification (germline): Uncertain significance. Review status: criteria provided, multiple submitters, no conflicts (2 of 4 stars). 2 submissions from 2 submitters: Uncertain significance (2). Last evaluated 2022-08-25.

Conditions:
Cardiovascular phenotype. Identifiers: MedGen CN230736.

Allele frequency attached by ClinVar (database versions not stated): gnomAD exomes 0.00001.
gnomAD v4.1: 3 of 1,614,134 alleles (0.00019%); highest among the groups gnomAD compares: Admixed American, 0.005%; no homozygotes.

Submissions (2):

Labcorp Genetics (formerly Invitae), Labcorp
Classification: Uncertain significance. Last evaluated: 2022-08-25. Review status: criteria provided, single submitter. Criteria: Invitae Variant Classification Sherloc (09022015). Collection method: clinical testing. Allele origin: germline.
Comment: This variant is present in population databases (no rsID available, gnomAD 0.006%). This variant has not been reported in the literature in individuals affected with ABCA1-related conditions. Advanced modeling of protein sequence and biophysical properties (such as structural, functional, and spatial information, amino acid conservation, physicochemical variation, residue mobility, and thermodynamic stability) performed at Invitae indicates that this missense variant is not expected to disrupt ABCA1 protein function. In summary, the available evidence is currently insufficient to determine the role of this variant in disease. Therefore, it has been classified as a Variant of Uncertain Significance. This sequence change replaces glutamic acid, which is acidic and polar, with lysine, which is basic and polar, at codon 1397 of the ABCA1 protein (p.Glu1397Lys).

Ambry Genetics
Classification: Uncertain significance for Cardiovascular phenotype. Last evaluated: 2021-07-08. Review status: criteria provided, single submitter. Criteria: Ambry Variant Classification Scheme 2023. Collection method: clinical testing. Allele origin: germline.
Comment: The p.E1397K variant (also known as c.4189G>A), located in coding exon 29 of the ABCA1 gene, results from a G to A substitution at nucleotide position 4189. The glutamic acid at codon 1397 is replaced by lysine, an amino acid with similar properties. This amino acid position is conserved. In addition, the in silico prediction for this alteration is inconclusive. Since supporting evidence is limited at this time, the clinical significance of this alteration remains unclear.